The following is an entry in ClinVar:

ClinVar aggregate classification (germline): Likely pathogenic (0 of 4 stars; one submission).

Conditions:
Immunodeficiency, common variable, 12 (CVID12). Also called: IMMUNODEFICIENCY, COMMON VARIABLE, 12, WITH AUTOIMMUNITY; NFKB1 DEFICIENCY. Identifiers: Orphanet 1572, Orphanet 696874, MedGen C4225277, MONDO:0014697, OMIM 616576.

Submission:

University of Washington Department of Laboratory Medicine, University of Washington
Classification: Likely pathogenic for Immunodeficiency, common variable, 12. Last evaluated: 2021-09-09. Review status: no assertion criteria provided. Collection method: clinical testing. Allele origin: unknown. Affected: yes.
Comment: This variant is absent from population databases, such as the Genome Aggregation Database, does not have an entry in ClinVar, and has not been reported in the literature. Multiple lines of computational evidence (in silico analysis) support a deleterious effect on the gene or gene product. This variant resides within the RDH domain of the NFKB1 gene, which is a well-studied domain with a pathogenic to benign missense variant ration of approximately 70% (higher than the 50% threshold).

NM_003998.4(NFKB1):c.988G>A (p.Val330Met)

Gene: NFKB1 (nuclear factor kappa B subunit 1; plus strand). Cytogenetic location: 4q24.
Variant type: single nucleotide variant.
Coding change: c.988G>A on transcript NM_003998.4 (MANE Select); coding-DNA position 988, G replaced by A.
Protein change: p.Val330Met; replaces valine 330 with methionine.
Molecular consequence: missense variant.
Genome position (GRCh38, 1-based): chr4:102,584,742, G>A. VCF-style: chr4-102584742-G-A. GRCh37 (hg19) VCF-style: chr4-103505899-G-A.
Other names: c.985G>A, p.Val329Met (NM_001165412.2, NM_001319226.2, NM_001382627.1); c.988G>A, p.Val330Met (NM_001382625.1, NM_001382626.1); c.946G>A, p.Val316Met (NM_001382628.1); short protein forms V316M, V329M, V330M.
Identifiers: ClinVar variation 1702987 (VCV001702987.2), dbSNP rs2149192634, ClinGen allele CA357960904.